The following is an entry in ClinVar:

NM_001374736.1(DST):c.16021G>A (p.Val5341Ile)

Gene: DST (dystonin; minus strand). Cytogenetic location: 6p12.1.
Variant type: single nucleotide variant.
Coding change: c.16021G>A on transcript NM_001374736.1 (MANE Select); coding-DNA position 16021, G replaced by A.
Protein change: p.Val5341Ile; replaces valine 5341 with isoleucine.
Molecular consequence: missense variant.
Genome position (GRCh38, 1-based): chr6:56,552,771, C>T on the plus strand (G>A on the coding strand, the complement: DST is on the minus strand). VCF-style: chr6-56552771-C-T. GRCh37 (hg19) VCF-style: chr6-56417569-C-T.
Other names: c.9664G>A, p.Val3222Ile (NM_001144769.5); c.9250G>A, p.Val3084Ile (NM_001144770.2); c.16021G>A, p.Val5341Ile (NM_001374722.1); c.15388G>A, p.Val5130Ile (NM_001374729.1); c.9130G>A, p.Val3044Ile (NM_001374730.1, NM_001386100.1, NM_183380.4); c.16048G>A, p.Val5350Ile (NM_001374734.1); c.8152G>A, p.Val2718Ile (NM_015548.5); short protein forms V3044I, V2718I, V5130I, V5341I, V3222I, V5350I, V3084I.
Identifiers: ClinVar variation 2927824 (VCV002927824.3), dbSNP rs779864778, ClinGen allele CA3867741.
Genomic context (GRCh38, chr6:56,552,771, plus strand): 5'-GAGCTATGGTTTCCACTTGTAATAAAACATCAGAGGTTCCCTTTGAGTCTGAGGCCTCTA[C>T]CACAAGGTCCTGTGCAAGTCTTTTAGCCAAATCTACCTGATGCTTCAAGGCCTGAAGTGA-3'
Protein context (NP_001361665.1, residues 5331-5351): LAKRLAQDLV[Val5341Ile]EASDSKGTSD

ClinVar aggregate classification (germline): Uncertain significance (1 of 4 stars; one submission).

Conditions:
Hereditary sensory and autonomic neuropathy type 6. Also called: HSAN VI; Neuropathy, hereditary sensory and autonomic, type VI. Identifiers: Orphanet 314381, MedGen C3539003, MONDO:0013839, OMIM 614653.
Epidermolysis bullosa simplex 3, localized or generalized intermediate, with BP230 deficiency (EBS3). Also called: Epidermolysis bullosa simplex, autosomal recessive 2; Epidermolysis bullosa simplex due to BP230 deficiency. Identifiers: Orphanet 412181, MedGen C3809470, MONDO:0014180, OMIM 615425.

Allele frequency attached by ClinVar (database versions not stated): ExAC 0.00001.
gnomAD v4.1: 7 of 1,610,290 alleles (0.00043%); highest among the groups gnomAD compares: African/African-American, 0.0053%; no homozygotes.

Submission:

Labcorp Genetics (formerly Invitae), Labcorp
Classification: Uncertain significance for Epidermolysis bullosa simplex 3, localized or generalized intermediate, with BP230 deficiency; Hereditary sensory and autonomic neuropathy type 6. Last evaluated: 2023-01-29. Review status: criteria provided, single submitter. Criteria: Invitae Variant Classification Sherloc (09022015). Collection method: clinical testing. Allele origin: germline.
Comment: This sequence change replaces valine, which is neutral and non-polar, with isoleucine, which is neutral and non-polar, at codon 2718 of the DST protein (p.Val2718Ile). In summary, the available evidence is currently insufficient to determine the role of this variant in disease. Therefore, it has been classified as a Variant of Uncertain Significance. Experimental studies and prediction algorithms are not available or were not evaluated, and the functional significance of this variant is currently unknown. This variant has not been reported in the literature in individuals affected with DST-related conditions. This variant is present in population databases (rs779864778, gnomAD 0.007%). The DST gene has multiple clinically relevant transcripts. This variant occurs in alternate transcript NM_015548.4, and corresponds to NM_001723.5:c.*62746G>A in the primary transcript.